The following is an entry in ClinVar:

ClinVar aggregate classification (germline): Benign/Likely benign. Review status: criteria provided, multiple submitters, no conflicts (2 of 4 stars). 7 submissions from 7 submitters: Benign (1); Likely benign (6). Last evaluated 2025-10-01.

Conditions:
Hereditary cancer-predisposing syndrome. Also called: Hereditary neoplastic syndrome; Neoplastic Syndromes, Hereditary; Tumor predisposition; Hereditary Cancer Syndrome. Identifiers: Orphanet 140162, MedGen C0027672, MeSH D009386, MONDO:0015356.
Familial adenomatous polyposis 1 (FAP1). Also called: POLYPOSIS, ADENOMATOUS INTESTINAL; FAMILIAL ADENOMATOUS POLYPOSIS 1, ATTENUATED. Identifiers: MedGen C2713442, MONDO:0021056, OMIM 175100. Disease mechanism: loss of function.
Classic or attenuated familial adenomatous polyposis. Identifiers: MedGen CN372698, MONDO:0021057.
Desmoid disease, hereditary (DESMD). Also called: FIBROMATOSIS, FAMILIAL INFILTRATIVE. Identifiers: Orphanet 873, MedGen C1851124, OMIM 135290. Disease mechanism: loss of function.

Allele frequency attached by ClinVar (database versions not stated): gnomAD exomes below 0.00001 and 0.00001.
gnomAD v4.1: 6 of 1,614,054 alleles (0.00037%); no homozygotes.

Submissions (7):

Labcorp Genetics (formerly Invitae), Labcorp
Classification: Likely benign for Familial adenomatous polyposis 1. Last evaluated: 2025-10-01. Review status: criteria provided, single submitter. Criteria: Invitae Variant Classification Sherloc (09022015). Collection method: clinical testing. Allele origin: germline.

Myriad Genetics, Inc.
Classification: Benign for Familial adenomatous polyposis 1. Last evaluated: 2024-04-09. Review status: criteria provided, single submitter. Criteria: Myriad Autosomal Dominant, Autosomal Recessive and X-Linked Classification Criteria (2023). Collection method: clinical testing. Allele origin: unknown.
Comment: This variant is considered benign. This variant is a silent/synonymous amino acid change and it is not expected to impact splicing.

All of Us Research Program, National Institutes of Health
Classification: Likely benign for Classic or attenuated familial adenomatous polyposis. Last evaluated: 2023-10-30. Review status: criteria provided, single submitter. Criteria: ACMG Guidelines, 2015. Collection method: clinical testing. Allele origin: germline. Inheritance: Autosomal dominant inheritance. Observed: 2 variant alleles, 2 heterozygotes.
Comment: This study involves interpretation of variants in research participants for the purpose of population health screening. Participant phenotype was not available at the time of variant classification. Additional details can be found in publication PMID: 35346344, PMCID: PMC8962531

Department of Pathology and Laboratory Medicine, Sinai Health System
Classification: Likely benign for Desmoid disease, hereditary. Last evaluated: 2022-11-08. Review status: criteria provided, single submitter. Criteria: ACMG Guidelines, 2015. Collection method: clinical testing. Allele origin: germline. Affected: yes.

GeneDx
Classification: Likely benign. Last evaluated: 2019-07-11. Review status: criteria provided, single submitter. Criteria: GeneDx Variant Classification Process June 2021. Collection method: clinical testing. Allele origin: germline. Affected: yes.

Color Diagnostics, LLC DBA Color Health
Classification: Likely benign for Hereditary cancer-predisposing syndrome. Last evaluated: 2017-07-06. Review status: criteria provided, single submitter. Criteria: ACMG Guidelines, 2015. Collection method: clinical testing. Allele origin: germline.

Ambry Genetics
Classification: Likely benign for Hereditary cancer-predisposing syndrome. Last evaluated: 2016-07-25. Review status: criteria provided, single submitter. Criteria: Ambry Variant Classification Scheme 2023. Collection method: clinical testing. Allele origin: germline.

NM_000038.6(APC):c.7404A>G (p.Ser2468=)

Gene: APC (APC regulator of Wnt signaling pathway; plus strand). Cytogenetic location: 5q22.2.
Variant type: single nucleotide variant.
Coding change: c.7404A>G on transcript NM_000038.6 (MANE Select); coding-DNA position 7404, A replaced by G.
Protein change: p.Ser2468=; no amino-acid change (serine 2468 retained).
Molecular consequence: synonymous variant.
Genome position (GRCh38, 1-based): chr5:112,842,998, A>G. VCF-style: chr5-112842998-A-G. GRCh37 (hg19) VCF-style: chr5-112178695-A-G.
Other names: c.7404A>G, p.Ser2468= (NM_001127510.3, NM_001354895.2); c.7350A>G, p.Ser2450= (NM_001127511.3); c.7458A>G, p.Ser2486= (NM_001354896.2); c.7434A>G, p.Ser2478= (NM_001354897.2); c.7329A>G, p.Ser2443= (NM_001354898.2); c.7320A>G, p.Ser2440= (NM_001354899.2); c.7281A>G, p.Ser2427= (NM_001354900.2); c.7227A>G, p.Ser2409= (NM_001354901.2); and 5 more.
Identifiers: ClinVar variation 215571 (VCV000215571.25), dbSNP rs863224287, ClinGen allele CA338623.
Genomic context (GRCh38, chr5:112,842,998, plus strand): 5'-AAGCCCAACCTTAAGAAGAAAATTGGAGGAATCTGCTTCATTTGAATCTCTTTCTCCATC[A>G]TCTAGACCAGCTTCTCCCACTAGGTCCCAGGCACAAACTCCAGTTTTAAGTCCTTCCCTT-3'
Protein context (NP_000029.2, residues 2458-2478): ESASFESLSP[Ser2468=]SRPASPTRSQ